The following is an entry in ClinVar:

NM_000552.5(VWF):c.5189dup (p.Ser1731fs)

Gene: VWF (von Willebrand factor; minus strand). Cytogenetic location: 12p13.31.
Variant type: Duplication.
Coding change: c.5189dup on transcript NM_000552.5 (MANE Select); coding-DNA position 5189, one base duplicated (T; older notation c.5189dupT).
Protein change: p.Ser1731fs; shifts the reading frame from serine 1731.
Molecular consequence: frameshift variant.
Genome position (GRCh38, 1-based): chr12:6,016,638, A duplicated on the plus strand (T on the coding strand, the reverse complement: VWF is on the minus strand). VCF-style (leftmost placement, unchanged base first): chr12-6016637-C-CA. GRCh37 (hg19) VCF-style: chr12-6125803-C-CA.
Other names: p.Ser1731Valfs*12; short protein forms S1731fs.
Identifiers: ClinVar variation 3381078 (VCV003381078.1).
Genomic context (GRCh38, chr12:6,016,637, plus strand): 5'-CTCCGGGACCACGTTCCATGGCACGTCAATGGTGGTGATGCTTCCATACTGCAGCACTGA[C>CA]ACCTGAGTGAGACGAGGCCCTAAACGGAACGAGAAAATGCGGATTATTTTGAATCAAGTA-3'

ClinVar aggregate classification (germline): Pathogenic (1 of 4 stars; one submission).

Submission:

Mayo Clinic Laboratories, Mayo Clinic
Classification: Pathogenic. Last evaluated: 2023-10-26. Review status: criteria provided, single submitter. Criteria: ACMG Guidelines, 2015. Collection method: clinical testing. Allele origin: germline. Observed: 1 variant allele.
Comment: PM2_moderate, PS4_moderate, PVS1

Literature cited by the submitters: PubMed 35343054.